The following is an entry in ClinVar:

NM_001134831.2(AHI1):c.2168G>A (p.Arg723Gln)

Gene: AHI1 (Abelson helper integration site 1; minus strand). Cytogenetic location: 6q23.3.
Variant type: single nucleotide variant.
Coding change: c.2168G>A on transcript NM_001134831.2 (MANE Select); coding-DNA position 2168, G replaced by A.
Protein change: p.Arg723Gln; replaces arginine 723 with glutamine.
Molecular consequence: missense variant.
Genome position (GRCh38, 1-based): chr6:135,433,125, C>T on the plus strand (G>A on the coding strand, the complement: AHI1 is on the minus strand). VCF-style: chr6-135433125-C-T. GRCh37 (hg19) VCF-style: chr6-135754263-C-T.
Other names: NM_001134830.1(AHI1):c.2168G>A(p.Arg723Gln); NM_001134831.1(AHI1):c.2168G>A(p.Arg723Gln); NM_001134832.1(AHI1):c.2168G>A(p.Arg723Gln); NM_017651.4(AHI1):c.2168G>A(p.Arg723Gln); NM_001134831.2(AHI1):c.2168G>A; c.2168G>A, p.Arg723Gln (NM_001134830.2, NM_001134832.2, NM_001350503.2 and 2 more transcripts); short protein forms R723Q.
Identifiers: ClinVar variation 2015 (VCV000002015.23), dbSNP rs121434351, ClinGen allele CA252048.

ClinVar aggregate classification (germline): Conflicting classifications of pathogenicity. Review status: criteria provided, conflicting classifications (1 of 4 stars). 12 submissions from 12 submitters: Pathogenic (4); Likely pathogenic (4); Uncertain significance (1). 3 of the submissions do not count toward it. Last evaluated 2026-01-14.

Conditions:
AHI1-related disorder. Also called: AHI1-related condition.
Joubert syndrome with ocular defect. Identifiers: Orphanet 220493, MedGen C4274118, MONDO:0016364.
Joubert syndrome 3 (JBTS3). Also called: AHI1-related Ciliopathy. Identifiers: Orphanet 220493, MedGen C1837713, MONDO:0012078, OMIM 608629.
Joubert syndrome. Also called: Familial aplasia of the vermis; JOUBERT-BOLTSHAUSER SYNDROME. Identifiers: Orphanet 475, MedGen C5979921, MONDO:0018772.

Allele frequency attached by ClinVar (database versions not stated): gnomAD exomes 0.00001 and 0.00003; gnomAD 0.00003; ExAC 0.00004; TOPMed 0.00006.
gnomAD v4.1: 13 of 1,613,060 alleles (0.00081%); highest among the groups gnomAD compares: Admixed American, 0.0083%; no homozygotes.

Submissions (12):

Labcorp Genetics (formerly Invitae), Labcorp
Classification: Pathogenic for Joubert syndrome. Last evaluated: 2026-01-14. Review status: criteria provided, single submitter. Criteria: Invitae Variant Classification Sherloc (09022015). Collection method: clinical testing. Allele origin: germline.
Comment: This sequence change replaces arginine, which is basic and polar, with glutamine, which is neutral and polar, at codon 723 of the AHI1 protein (p.Arg723Gln). This variant is present in population databases (rs121434351, gnomAD 0.009%). This missense change has been observed in individual(s) with Joubert syndrome (PMID: 16453322, 26092869; internal data). ClinVar contains an entry for this variant (Variation ID: 2015). Invitae Evidence Modeling of protein sequence and biophysical properties (such as structural, functional, and spatial information, amino acid conservation, physicochemical variation, residue mobility, and thermodynamic stability) indicates that this missense variant is expected to disrupt AHI1 protein function with a positive predictive value of 95%. Experimental studies have shown that this missense change affects AHI1 function (PMID: 21623382). For these reasons, this variant has been classified as Pathogenic.

Daryl Scott Lab, Baylor College of Medicine
Classification: Likely pathogenic for Joubert syndrome 3. Last evaluated: 2025-08-25. Review status: criteria provided, single submitter. Criteria: ACMG Guidelines, 2015. Collection method: clinical testing. Allele origin: maternal. Affected: yes. Observed: 1 compound heterozygote.
Comment: PS3, PM2, PM3, PP3

PreventionGenetics, part of Exact Sciences
Classification: Likely pathogenic for AHI1-related condition. Last evaluated: 2025-08-22. Review status: criteria provided, single submitter. Criteria: ACMG Guidelines, 2015. Collection method: clinical testing. Allele origin: germline.
Comment: The AHI1 c.2168G>A variant is predicted to result in the amino acid substitution p.Arg723Gln. This variant has been reported in both the homozygous and compound heterozygous state in individuals with Joubert syndrome (Valente et al. 2006. PubMed ID: 16453322; supplementary data, Ganapathy et al. 2019. PubMed ID: 31069529; supplementary data, Bachmann-Gagescu et al. 2015. PubMed ID: 26092869; Altieri et al. 2019. PubMed ID: 31202121; Sharawat et al. 2021. PubMed ID: 34220074). This variant was also reported in one large cohort of individuals with retinal disease (supplementary data, Perea-Romero et al. 2021. PubMed ID: 34448047). This variant is reported in 0.0085% of alleles in individuals of Latino descent in gnomAD. Functional studies indicate that the c.2168G>A (p.Arg723Gln) variant showed similar protein expression to wildtype protein in 293T cells and mouse inner medullary collecting duct cells, but failed to localize to the primary cilium compared to wildtype (Lancaster et al. 2011. PubMed ID: 21623382). This variant is interpreted as likely pathogenic.

Fulgent Genetics
Classification: Likely pathogenic for Joubert syndrome 3. Last evaluated: 2024-04-04. Review status: criteria provided, single submitter. Criteria: ACMG Guidelines, 2015. Collection method: clinical testing. Allele origin: germline.

GeneDx
Classification: Pathogenic. Last evaluated: 2023-08-01. Review status: criteria provided, single submitter. Criteria: GeneDx Variant Classification Process June 2021. Collection method: clinical testing. Allele origin: germline. Affected: yes.
Comment: Published functional studies demonstrate R723Q fails to localize to the primary cilium compared to the wild-type protein (Lancaster et al., 2011); In silico analysis supports that this missense variant has a deleterious effect on protein structure/function; Not observed at a significant frequency in large population cohorts (gnomAD); This variant is associated with the following publications: (PMID: 26354092, 16453322, 26092869, 31202121, 25217387, 31589614, 34448047, 15467982, 28442542, 34220074, 31069529, 21623382)

Broad Center for Mendelian Genomics, Broad Institute of MIT and Harvard
Classification: Uncertain significance for Joubert syndrome 3. Last evaluated: 2022-05-04. Review status: criteria provided, single submitter. Criteria: ACMG Guidelines, 2015. Collection method: curation. Allele origin: germline. Inheritance: Autosomal recessive inheritance.
Comment: The homozygous p.Arg723Gln variant in AHI1 was identified by our study in 2 siblings with Joubert syndrome 3. The variant has been reported in 4 individuals of Italian and unknown ethnicity with Joubert syndrome 3 (PMID: 26092869, 31202121, 16453322, 26354092), and has been identified in 0.008% (3/35370) of Latino, 0.008% (2/24202) of African, and 0.003% (4/128110) of European non-Finnish chromosomes by the Genome Aggregation Database (gnomAD; dbSNP ID: rs121434351). Although this variant has been seen in the general population, its frequency is low enough to be consistent with a recessive carrier frequency. This variant has also been reported in ClinVar (Variation ID: 2015) as pathogenic by OMIM and UW Hindbrain Malformation Research Program, University of Washington, and as likely pathogenic by Invitae and SIB Swiss Institute of Bioinformatics. In vitro functional studies provide some evidence that the p.Arg723Gln variant may slightly impact protein function (PMID: 21623382). However, these types of assays may not accurately represent biological function. Computational prediction tools and conservation analyses do not provide strong support for or against an impact to the protein. The presence of this variant in at least 2 affected homozygotes and in 2 individuals with Joubert syndrome 3 increases the likelihood that the p.Arg723Gln variant is pathogenic (PMID: 26092869, 31202121, 16453322). In summary, while there is some suspicion for a pathogenic role, the clinical significance of this variant is uncertain. ACMG/AMP Criteria applied: PM2, PM3, PS3_supporting (Richards 2015).

Blueprint Genetics
Classification: Pathogenic for AHI1-related disorders. Last evaluated: 2022-03-17. Review status: criteria provided, single submitter. Criteria: ACMG Guidelines, 2015. Collection method: clinical testing. Allele origin: germline. Affected: yes. Observed: 5 variant alleles.

SIB Swiss Institute of Bioinformatics
Classification: Likely pathogenic for Joubert syndrome 3. Last evaluated: 2018-05-31. Review status: criteria provided, single submitter. Criteria: ACMG Guidelines, 2015. Collection method: curation. Allele origin: unknown.
Comment: This variant is interpreted as a Likely Pathogenic, for Joubert syndrome, in Autosomal Recessive manner. The following ACMG Tag(s) were applied: PP3 => Multiple lines of computational evidence support a deleterious effect on the gene or gene product. PM2 => Absent from controls (or at extremely low frequency if recessive) in Exome Sequencing Project, 1000 Genomes Project, or Exome Aggregation Consortium. PS3 => Well-established functional studies show a deleterious effect (PMID:21623382).

UW Hindbrain Malformation Research Program, University of Washington
Classification: Pathogenic for Joubert syndrome 3. Last evaluated: 2015-02-23. Review status: criteria provided, single submitter. Criteria: Bachmann-Gagescu et al. (J Med Genet. 2015). Collection method: research. Allele origin: unknown. Affected: yes.

OMIM
Classification: Pathogenic for JOUBERT SYNDROME 3. Last evaluated: 2006-03-01. Review status: no assertion criteria provided. Collection method: literature only. Allele origin: germline. Not counted in ClinVar's aggregate classification.

Laboratory of Genetics in Ophthalmology, Institut Imagine
Classification: Pathogenic for Joubert syndrome with ocular defect. Review status: no assertion criteria provided. Collection method: research. Allele origin: inherited. Affected: yes. Observed: 2 variant alleles. Not counted in ClinVar's aggregate classification.

Neurology Department of Pediatrics, The Third Affiliated Hospital of Zhengzhou University
Classification: Uncertain significance for Joubert syndrome 3. Review status: no assertion criteria provided. Collection method: clinical testing. Allele origin: inherited. Inheritance: Autosomal recessive inheritance. Affected: yes. Not counted in ClinVar's aggregate classification.

Literature cited by the submitters: PubMed 16453322 (cited by 3 submitters); PubMed 26092869 (cited by Labcorp Genetics (formerly Invitae), Labcorp); PubMed 21623382 (cited by Labcorp Genetics (formerly Invitae), Labcorp and SIB Swiss Institute of Bioinformatics).